The following is an entry in ClinVar:

ClinVar aggregate classification (germline): Pathogenic/Likely pathogenic. Review status: criteria provided, multiple submitters, no conflicts (2 of 4 stars). 3 submissions from 3 submitters: Pathogenic (2); Likely pathogenic (1). Last evaluated 2025-04-02.

Conditions:
Hereditary cancer-predisposing syndrome. Also called: Hereditary neoplastic syndrome; Tumor predisposition; Neoplastic Syndromes, Hereditary; Hereditary Cancer Syndrome. Identifiers: Orphanet 140162, MedGen C0027672, MeSH D009386, MONDO:0015356.
Hereditary nonpolyposis colorectal neoplasms. Identifiers: MedGen C0009405, MeSH D003123.

Submissions (3):

Labcorp Genetics (formerly Invitae), Labcorp
Classification: Pathogenic for Hereditary nonpolyposis colorectal neoplasms. Last evaluated: 2025-04-02. Review status: criteria provided, single submitter. Criteria: Invitae Variant Classification Sherloc (09022015). Collection method: clinical testing. Allele origin: germline.
Comment: This sequence change creates a premature translational stop signal (p.Lys13Glnfs*7) in the MSH6 gene. It is expected to result in an absent or disrupted protein product. Loss-of-function variants in MSH6 are known to be pathogenic (PMID: 18269114, 24362816). This variant is not present in population databases (gnomAD no frequency). This variant has not been reported in the literature in individuals affected with MSH6-related conditions. ClinVar contains an entry for this variant (Variation ID: 1182859). For these reasons, this variant has been classified as Pathogenic.

Ambry Genetics
Classification: Likely pathogenic for Hereditary cancer-predisposing syndrome. Last evaluated: 2022-12-02. Review status: criteria provided, single submitter. Criteria: Ambry Variant Classification Scheme 2023. Collection method: clinical testing. Allele origin: germline.
Comment: The c.36dupC variant, located in coding exon 1 of the MSH6 gene, results from a duplication of C at nucleotide position 36, causing a translational frameshift with a predicted alternate stop codon (p.K13Qfs*7). The predicted stop codon occurs in the 5&rsquo; end of theMSH6 gene. Premature termination codons in the 5&rsquo; end of a gene have been reported to escape nonsense-mediated mRNAdecay and/or lead to re-initiation (Rivas et al. Science. 2015 May 8;348(6235):666-9; Lindeboom et al. Nat Genet. 2016 Oct;48(10):1112-8; Rhee et al. Sci Rep. 2017 May 10;7(1):1653). Direct evidence for this alteration is unavailable, however premature termination codons are typically deleterious in nature. This variant is considered to be rare based on population cohorts in the Genome Aggregation Database (gnomAD). Based on the majority of available evidence to date, this variant is likely to be pathogenic.

GeneDx
Classification: Pathogenic. Last evaluated: 2019-12-20. Review status: criteria provided, single submitter. Criteria: GeneDx Variant Classification Process June 2021. Collection method: clinical testing. Allele origin: germline. Affected: yes.
Comment: Frameshift variant predicted to result in protein truncation or nonsense mediated decay in a gene for which loss-of-function is a known mechanism of disease; Not observed in large population cohorts (Lek 2016); Truncating variants in this gene are considered pathogenic by a well-established clinical consortium and/or database; Has not been previously published as pathogenic or benign to our knowledge

Literature cited by the submitters: PubMed 18269114 (cited by Labcorp Genetics (formerly Invitae), Labcorp); PubMed 24362816 (cited by Labcorp Genetics (formerly Invitae), Labcorp).

NM_000179.3(MSH6):c.36dup (p.Lys13fs)

Gene: MSH6 (mutS homolog 6; plus strand). Cytogenetic location: 2p16.3.
Variant type: Duplication.
Coding change: c.36dup on transcript NM_000179.3 (MANE Select); coding-DNA position 36, one base duplicated (C; older notation c.36dupC).
Protein change: p.Lys13fs; shifts the reading frame from lysine 13.
Molecular consequence: frameshift variant. On other transcripts: 5 prime UTR variant (1).
Genome position (GRCh38, 1-based): chr2:47,783,269, C duplicated; the last of 4 consecutive C bases (chr2:47,783,266-47,783,269); duplicating any one gives the same sequence. VCF-style (leftmost placement, unchanged base first): chr2-47783265-T-TC. GRCh37 (hg19) VCF-style: chr2-48010404-T-TC.
Other names: c.36dup, p.Lys13fs (NM_001281492.2); c.-701dup (NM_001281493.2); short protein forms K13fs.
Identifiers: ClinVar variation 1182859 (VCV001182859.6), dbSNP rs2103932294, ClinGen allele CA2499216079.